The following is an entry in ClinVar:

NM_144498.4(OSBPL2):c.674+9C>T

Gene: OSBPL2 (oxysterol binding protein like 2; plus strand). Cytogenetic location: 20q13.33.
Variant type: single nucleotide variant.
Coding change: c.674+9C>T on transcript NM_144498.4 (MANE Select); 9 bases into the intron after coding-DNA position 674, C replaced by T.
Molecular consequence: intron variant.
Genome position (GRCh38, 1-based): chr20:62,279,348, C>T. VCF-style: chr20-62279348-C-T. GRCh37 (hg19) VCF-style: chr20-60854404-C-T.
Other names: p.?; c.398+9C>T (NM_001363878.2, NM_001278649.3); c.638+9C>T (NM_014835.5); c.674+9C>T (NM_144498.3, NM_144498.2).
Identifiers: ClinVar variation 1206582 (VCV001206582.13), dbSNP rs149348543, ClinGen allele CA9938523.

ClinVar aggregate classification (germline): Benign/Likely benign. Review status: criteria provided, multiple submitters, no conflicts (2 of 4 stars). 4 submissions from 4 submitters: Benign (2); Likely benign (2). Last evaluated 2026-02-19.

Conditions:
OSBPL2-related disorder. Also called: OSBPL2-related condition.

Allele frequency attached by ClinVar (database versions not stated): gnomAD exomes 0.00010 and 0.00031; ExAC 0.00036; 1000 Genomes Project 0.00040; 1000 Genomes Project 30x 0.00078; ESP Exome Variant Server 0.00085; gnomAD 0.00090 and 0.00101; TOPMed 0.00094.
gnomAD v4.1: 281 of 1,613,590 alleles (0.017%); highest among the groups gnomAD compares: African/African-American, 0.3%; no homozygotes.

Submissions (4):

PreventionGenetics, part of Exact Sciences
Classification: Likely benign for OSBPL2-related condition. Last evaluated: 2026-02-19. Review status: criteria provided, single submitter. Criteria: ACMG Guidelines, 2015. Collection method: clinical testing. Allele origin: germline.
Comment: This variant is classified as likely benign based on ACMG/AMP sequence variant interpretation guidelines (Richards et al. 2015 PMID: 25741868, with internal and published modifications).

Labcorp Genetics (formerly Invitae), Labcorp
Classification: Benign. Last evaluated: 2025-10-15. Review status: criteria provided, single submitter. Criteria: Invitae Variant Classification Sherloc (09022015). Collection method: clinical testing. Allele origin: germline.

Mayo Clinic Laboratories, Mayo Clinic
Classification: Benign. Last evaluated: 2022-09-07. Review status: criteria provided, single submitter. Criteria: ACMG Guidelines, 2015. Collection method: clinical testing. Allele origin: germline. Observed: 2 variant alleles.
Comment: BA1

GeneDx
Classification: Likely benign. Last evaluated: 2020-10-22. Review status: criteria provided, single submitter. Criteria: GeneDx Variant Classification Process June 2021. Collection method: clinical testing. Allele origin: germline. Affected: yes.